The following is an entry in ClinVar:

ClinVar aggregate classification (germline): Uncertain significance. Review status: criteria provided, multiple submitters, no conflicts (2 of 4 stars). 2 submissions from 2 submitters: Uncertain significance (2). Last evaluated 2024-10-24.

Allele frequency attached by ClinVar (database versions not stated): ExAC below 0.00001; gnomAD 0.00001; gnomAD exomes 0.00003 and 0.00007; TOPMed 0.00005.
gnomAD v4.1: 16 of 1,555,282 alleles (0.001%); highest among the groups gnomAD compares: Admixed American, 0.029%; no homozygotes.

Submissions (2):

Labcorp Genetics (formerly Invitae), Labcorp
Classification: Uncertain significance. Last evaluated: 2024-10-24. Review status: criteria provided, single submitter. Criteria: Invitae Variant Classification Sherloc (09022015). Collection method: clinical testing. Allele origin: germline.
Comment: This sequence change replaces proline, which is neutral and non-polar, with leucine, which is neutral and non-polar, at codon 2333 of the CEP250 protein (p.Pro2333Leu). This variant is present in population databases (rs758278372, gnomAD 0.05%). This variant has not been reported in the literature in individuals affected with CEP250-related conditions. ClinVar contains an entry for this variant (Variation ID: 949048). An algorithm developed to predict the effect of missense changes on protein structure and function (PolyPhen-2) suggests that this variant is likely to be disruptive. In summary, the available evidence is currently insufficient to determine the role of this variant in disease. Therefore, it has been classified as a Variant of Uncertain Significance.

Ambry Genetics
Classification: Uncertain significance. Last evaluated: 2021-09-16. Review status: criteria provided, single submitter. Criteria: Ambry Variant Classification Scheme 2023. Collection method: clinical testing. Allele origin: germline.

NM_007186.6(CEP250):c.6998C>T (p.Pro2333Leu)

Gene: CEP250 (centrosomal protein 250; plus strand). Cytogenetic location: 20q11.22.
Variant type: single nucleotide variant.
Coding change: c.6998C>T on transcript NM_007186.6 (MANE Select); coding-DNA position 6998, C replaced by T.
Protein change: p.Pro2333Leu; replaces proline 2333 with leucine.
Molecular consequence: missense variant.
Genome position (GRCh38, 1-based): chr20:35,509,034, C>T. VCF-style: chr20-35509034-C-T. GRCh37 (hg19) VCF-style: chr20-34096863-C-T.
Other names: c.5102C>T, p.Pro1701Leu (NM_001318219.1); c.6998C>T (NM_007186.3); short protein forms P2333L, P1701L.
Identifiers: ClinVar variation 949048 (VCV000949048.6), dbSNP rs758278372, ClinGen allele CA9834206.
Genomic context (GRCh38, chr20:35,509,034, plus strand): 5'-AGGCCATGCGTGCGGCCCAGGCAGGGTCCCTAGAGATCAGCAAGGCCACGGCTTCTTCAC[C>T]CACACAGCAGGTTTACTCATTTTCCTCAGCTGCAGCCTTAGAGAGCCCAACCCCAGCCAC-3'
Protein context (NP_009117.2, residues 2323-2343): LEISKATASS[Pro2333Leu]TQQDGRGQKN